The following is an entry in ClinVar:

ClinVar aggregate classification (germline): Uncertain significance (1 of 4 stars; one submission).

Submission:

GeneDx
Classification: Uncertain significance. Last evaluated: 2023-12-28. Review status: criteria provided, single submitter. Criteria: GeneDx Variant Classification Process June 2021. Collection method: clinical testing. Allele origin: germline. Affected: yes.
Comment: Not observed at significant frequency in large population cohorts (gnomAD); In silico analysis supports that this missense variant has a deleterious effect on protein structure/function; Has not been previously published as pathogenic or benign to our knowledge

NM_001830.4(CLCN4):c.1957G>A (p.Glu653Lys)

Gene: CLCN4 (chloride voltage-gated channel 4; plus strand). Cytogenetic location: Xp22.2.
Variant type: single nucleotide variant.
Coding change: c.1957G>A on transcript NM_001830.4 (MANE Select); coding-DNA position 1957, G replaced by A.
Protein change: p.Glu653Lys; replaces glutamic acid 653 with lysine.
Molecular consequence: missense variant.
Genome position (GRCh38, 1-based): chrX:10,214,061, G>A. VCF-style: chrX-10214061-G-A. GRCh37 (hg19) VCF-style: chrX-10182101-G-A.
Other names: c.1675G>A, p.Glu559Lys (NM_001256944.2); short protein forms E559K, E653K.
Identifiers: ClinVar variation 3367386 (VCV003367386.1).